The following is an entry in ClinVar:

ClinVar aggregate classification (germline): Uncertain significance. Review status: criteria provided, multiple submitters, no conflicts (2 of 4 stars). 2 submissions from 2 submitters: Uncertain significance (2). Last evaluated 2024-05-29.

Conditions:
Congenital myasthenic syndrome 9. Also called: Myasthenic syndrome, congenital, 9, associated with acetylcholine receptor deficiency. Identifiers: Orphanet 590, MedGen C4225368, MONDO:0014587, OMIM 616325.
Fetal akinesia deformation sequence 1 (FADS1). Also called: Pena-Shokeir syndrome type I; Fetal akinesia sequence. Identifiers: Orphanet 994, MedGen C1276035, MONDO:0100101, OMIM 208150, HP:0001989.
Inborn genetic diseases. Identifiers: MedGen C0950123, MeSH D030342.

gnomAD v4.1: 21 of 1,613,116 alleles (0.0013%); highest among the groups gnomAD compares: African/African-American, 0.025%; no homozygotes.

Submissions (2):

Ambry Genetics
Classification: Uncertain significance for Inborn genetic diseases. Last evaluated: 2024-05-29. Review status: criteria provided, single submitter. Criteria: Ambry Variant Classification Scheme 2023. Collection method: clinical testing. Allele origin: germline.

Labcorp Genetics (formerly Invitae), Labcorp
Classification: Uncertain significance for Congenital myasthenic syndrome 9; Fetal akinesia deformation sequence 1. Last evaluated: 2022-08-21. Review status: criteria provided, single submitter. Criteria: Invitae Variant Classification Sherloc (09022015). Collection method: clinical testing. Allele origin: germline.
Comment: This sequence change replaces phenylalanine, which is neutral and non-polar, with tyrosine, which is neutral and polar, at codon 225 of the MUSK protein (p.Phe225Tyr). This variant is present in population databases (rs759633707, gnomAD 0.02%). This variant has not been reported in the literature in individuals affected with MUSK-related conditions. Advanced modeling of protein sequence and biophysical properties (such as structural, functional, and spatial information, amino acid conservation, physicochemical variation, residue mobility, and thermodynamic stability) performed at Invitae indicates that this missense variant is not expected to disrupt MUSK protein function. In summary, the available evidence is currently insufficient to determine the role of this variant in disease. Therefore, it has been classified as a Variant of Uncertain Significance.

NM_005592.4(MUSK):c.674T>A (p.Phe225Tyr)

Gene: MUSK (muscle associated receptor tyrosine kinase; plus strand). Cytogenetic location: 9q31.3.
Variant type: single nucleotide variant.
Coding change: c.674T>A on transcript NM_005592.4 (MANE Select); coding-DNA position 674, T replaced by A.
Protein change: p.Phe225Tyr; replaces phenylalanine 225 with tyrosine.
Molecular consequence: missense variant. On other transcripts: 5 prime UTR variant (1).
Genome position (GRCh38, 1-based): chr9:110,734,296, T>A. VCF-style: chr9-110734296-T-A. GRCh37 (hg19) VCF-style: chr9-113496576-T-A.
Other names: c.704T>A, p.Phe235Tyr (NM_001166280.2); c.674T>A, p.Phe225Tyr (NM_001166281.2); c.-563T>A (NM_001369398.1); short protein forms F235Y, F225Y.
Identifiers: ClinVar variation 1918234 (VCV001918234.4), dbSNP rs759633707, ClinGen allele CA5184153.
Genomic context (GRCh38, chr9:110,734,296, plus strand): 5'-CTGTCTTCCTAACAGTTTTTGCCAGGATCCTGCGGGCTCCTGAATCCCACAATGTCACCT[T>A]TGGCTCCTTTGTGACCCTGCACTGTACAGCAACAGGCATTCCTGTCCCCACCATCACCTG-3'
Protein context (NP_005583.1, residues 215-235): LRAPESHNVT[Phe225Tyr]GSFVTLHCTA